The following is an entry in ClinVar:

ClinVar aggregate classification (germline): Conflicting classifications of pathogenicity. Review status: criteria provided, conflicting classifications (1 of 4 stars). 3 submissions from 3 submitters: Likely pathogenic (1); Uncertain significance (2). Last evaluated 2025-05-12.

Conditions:
Familial hypercholesterolemia. Also called: Familial hypercholesterolemias; Familial hypercholesterolaemia. Identifiers: MedGen C0020445, MONDO:0005439.
Hypercholesterolemia, autosomal dominant, 3 (FHCL3). Also called: PCSK9-Related Familial Hypercholesterolemia, Autosomal Dominant; Familial hypercholesterolemia 3; Familial Hypercholesterolemia, Autosomal Dominant, 3. Identifiers: MedGen C1863551, MONDO:0011369, OMIM 603776.

Allele frequency attached by ClinVar (database versions not stated): gnomAD exomes below 0.00001; TOPMed 0.00001.

Submissions (3):

Color Diagnostics, LLC DBA Color Health
Classification: Uncertain significance for Familial hypercholesterolemia. Last evaluated: 2025-05-12. Review status: criteria provided, single submitter. Criteria: ACMG Guidelines, 2015. Collection method: clinical testing. Allele origin: germline.
Comment: This variant causes a G>A nucleotide substitution at the +1 position of intron 3 of the PCSK9 gene. Splice site prediction tools predict that this variant may have a significant impact on RNA splicing, which may result in the loss of PCSK9 function and have a protective effect against familial hypercholesterolemia. To our knowledge, functional studies have not been reported for this variant. This variant has not been reported in individuals affected with PCSK9-related disorders in the literature. This variant has been identified in 2/250720 chromosomes in the general population by the Genome Aggregation Database (gnomAD). The available evidence is insufficient to determine the role of this variant in disease conclusively. Therefore, this variant is classified as a Variant of Uncertain Significance.

Genomic Medicine Center of Excellence, King Faisal Specialist Hospital and Research Centre
Classification: Likely pathogenic for Hypercholesterolemia, autosomal dominant, 3. Last evaluated: 2024-03-26. Review status: criteria provided, single submitter. Criteria: ACMG Guidelines, 2015. Collection method: clinical testing. Allele origin: germline.

GeneDx
Classification: Uncertain significance. Last evaluated: 2022-10-05. Review status: criteria provided, single submitter. Criteria: GeneDx Variant Classification Process June 2021. Collection method: clinical testing. Allele origin: germline. Affected: yes.
Comment: Not observed at significant frequency in large population cohorts (gnomAD); Canonical splice site variant in a gene or region of a gene for which loss of function is not a well-established mechanism of disease; Has not been previously published as pathogenic or benign to our knowledge

NM_174936.4(PCSK9):c.523+1G>A

Gene: PCSK9 (proprotein convertase subtilisin/kexin type 9; plus strand). Cytogenetic location: 1p32.3.
Variant type: single nucleotide variant.
Coding change: c.523+1G>A on transcript NM_174936.4 (MANE Select); the canonical splice donor site of the intron after coding-DNA position 523, G replaced by A.
Molecular consequence: splice donor variant.
Genome position (GRCh38, 1-based): chr1:55,046,647, G>A. VCF-style: chr1-55046647-G-A. GRCh37 (hg19) VCF-style: chr1-55512320-G-A.
Other names: c.148+1G>A (NM_001407246.1); c.646+1G>A (NM_001407240.1); c.523+1G>A (NM_001407242.1, NM_001407241.1, NM_001407244.1 and 1 more transcripts); c.466+1G>A (NM_001407243.1); c.331+1G>A (NM_001407245.1).
Identifiers: ClinVar variation 2497756 (VCV002497756.3), dbSNP rs1557500853, ClinGen allele CA340484877.